The following is an entry in ClinVar:

NM_025114.4(CEP290):c.3757C>T (p.Arg1253Cys)

Gene: CEP290 (centrosomal protein 290; minus strand). Cytogenetic location: 12q21.32.
Variant type: single nucleotide variant.
Coding change: c.3757C>T on transcript NM_025114.4 (MANE Select); coding-DNA position 3757, C replaced by T.
Protein change: p.Arg1253Cys; replaces arginine 1253 with cysteine.
Molecular consequence: missense variant.
Genome position (GRCh38, 1-based): chr12:88,089,304, G>A on the plus strand (C>T on the coding strand, the complement: CEP290 is on the minus strand). VCF-style: chr12-88089304-G-A. GRCh37 (hg19) VCF-style: chr12-88483081-G-A.
Other names: c.3757C>T (NM_025114.3); short protein forms R1253C.
Identifiers: ClinVar variation 991339 (VCV000991339.7), dbSNP rs547677441, ClinGen allele CA6712090.

ClinVar aggregate classification (germline): Uncertain significance. Review status: criteria provided, multiple submitters, no conflicts (2 of 4 stars). 5 submissions from 5 submitters: Uncertain significance (3). 2 of the submissions do not count toward it. Last evaluated 2023-10-01.

Conditions:
Meckel-Gruber syndrome. Also called: Dysencephalia splachnocystica; DYSENCEPHALIA SPLANCHNOCYSTICA; GRUBER SYNDROME. Identifiers: Orphanet 564, MedGen C0265215, MONDO:0018921.
Nephronophthisis. Also called: Juvenile Nephronophthisis. Identifiers: Orphanet 655, MedGen C0687120, MONDO:0019005, HP:0000090.
Joubert syndrome. Also called: Familial aplasia of the vermis; CEREBELLOPARENCHYMAL DISORDER IV; JOUBERT-BOLTSHAUSER SYNDROME. Identifiers: Orphanet 475, MedGen C5979921, MONDO:0018772.
Retinal dystrophy. Also called: Inherited retinal dystrophy. Identifiers: Orphanet 71862, MedGen C0854723, MeSH D058499, MONDO:0019118, HP:0000556.
Joubert syndrome 5 (JBTS5). Identifiers: Orphanet 2318, MedGen C1857780, MONDO:0012432, OMIM 610188.
Leber congenital amaurosis 10 (LCA10). Identifiers: Orphanet 65, MedGen C1857821, MONDO:0012723, OMIM 611755.
Bardet-Biedl syndrome 14 (BBS14). Identifiers: Orphanet 110, MedGen C2673874, MONDO:0014442, OMIM 615991.
Meckel syndrome, type 4 (MKS4). Also called: MECKEL-GRUBER SYNDROME, TYPE 4. Identifiers: Orphanet 564, MedGen C1970161, MONDO:0012626, OMIM 611134.
Senior-Loken syndrome 6 (SLSN6). Identifiers: Orphanet 3156, MedGen C1857779, MONDO:0012433, OMIM 610189.
CEP290-related disorder. Also called: CEP290-related condition; CEP290-related disorders. Identifiers: MedGen CN239314.
Leber congenital amaurosis (LCA). Also called: Leber's amaurosis. Identifiers: Orphanet 65, MedGen C0339527, MeSH D057130, MONDO:0018998.

Allele frequency attached by ClinVar (database versions not stated): ExAC 0.00001; gnomAD 0.00001; gnomAD exomes 0.00001; TOPMed 0.00001; 1000 Genomes Project 0.00020; 1000 Genomes Project 30x 0.00031.
gnomAD v4.1: 15 of 1,613,872 alleles (0.00093%); highest among the groups gnomAD compares: Admixed American, 0.005%; no homozygotes.

Submissions (5):

Dept Of Ophthalmology, Nagoya University
Classification: Uncertain significance for Retinal dystrophy. Last evaluated: 2023-10-01. Review status: criteria provided, single submitter. Criteria: Submitter's publication. Collection method: research. Allele origin: germline. Affected: yes.

Labcorp Genetics (formerly Invitae), Labcorp
Classification: Uncertain significance for Joubert syndrome; Meckel-Gruber syndrome; Nephronophthisis. Last evaluated: 2022-08-12. Review status: criteria provided, single submitter. Criteria: Invitae Variant Classification Sherloc (09022015). Collection method: clinical testing. Allele origin: germline.
Comment: This sequence change replaces arginine, which is basic and polar, with cysteine, which is neutral and slightly polar, at codon 1253 of the CEP290 protein (p.Arg1253Cys). This variant is present in population databases (rs547677441, gnomAD 0.009%). This variant has not been reported in the literature in individuals affected with CEP290-related conditions. ClinVar contains an entry for this variant (Variation ID: 991339). Algorithms developed to predict the effect of missense changes on protein structure and function (SIFT, PolyPhen-2, Align-GVGD) all suggest that this variant is likely to be disruptive. In summary, the available evidence is currently insufficient to determine the role of this variant in disease. Therefore, it has been classified as a Variant of Uncertain Significance.

Fulgent Genetics
Classification: Uncertain significance for Joubert syndrome 5; Senior-Loken syndrome 6; Meckel syndrome, type 4; Leber congenital amaurosis 10; Bardet-Biedl syndrome 14. Last evaluated: 2021-09-02. Review status: criteria provided, single submitter. Criteria: ACMG Guidelines, 2015. Collection method: clinical testing. Allele origin: unknown.

PreventionGenetics, part of Exact Sciences
Classification: Uncertain significance for CEP290-related condition. Last evaluated: 2024-08-06. Review status: no assertion criteria provided. Collection method: clinical testing. Allele origin: germline. Not counted in ClinVar's aggregate classification.
Comment: The CEP290 c.3757C>T variant is predicted to result in the amino acid substitution p.Arg1253Cys. To our knowledge, this variant has not been reported in the literature. A different amino acid substitution affecting the same residue (p.Arg1253His) has been reported along with a pathogenic variant in a patient with Leber congenital amaurosis (Eisenberger et al. 2013. PubMed ID: 24265693). This variant is reported in 0.0058% of alleles in individuals of Latino descent in gnomAD. At this time, the clinical significance of this variant is uncertain due to the absence of conclusive functional and genetic evidence.

Natera, Inc.
Classification: Uncertain significance for Leber congenital amaurosis. Last evaluated: 2020-04-17. Review status: no assertion criteria provided. Collection method: clinical testing. Allele origin: germline. Not counted in ClinVar's aggregate classification.